The following is an entry in ClinVar:

ClinVar aggregate classification (germline): Pathogenic (1 of 4 stars; one submission).

Conditions:
Hereditary cancer-predisposing syndrome. Also called: Neoplastic Syndromes, Hereditary; Tumor predisposition; Hereditary Cancer Syndrome; Hereditary neoplastic syndrome. Identifiers: Orphanet 140162, MedGen C0027672, MeSH D009386, MONDO:0015356.

Submission:

Ambry Genetics
Classification: Pathogenic for Hereditary cancer-predisposing syndrome. Last evaluated: 2022-05-31. Review status: criteria provided, single submitter. Criteria: Ambry Variant Classification Scheme 2023. Collection method: clinical testing. Allele origin: germline.
Comment: The c.890_891delCT pathogenic mutation, located in coding exon 4 of the PALB2 gene, results from a deletion of two nucleotides at nucleotide positions 890 to 891, causing a translational frameshift with a predicted alternate stop codon (p.T297Sfs*5). This variant is considered to be rare based on population cohorts in the Genome Aggregation Database (gnomAD). This alteration is expected to result in loss of function by premature protein truncation or nonsense-mediated mRNA decay. As such, this alteration is interpreted as a disease-causing mutation.

NM_024675.4(PALB2):c.890_891del (p.Thr297fs)

Gene: PALB2 (partner and localizer of BRCA2; minus strand). Cytogenetic location: 16p12.2.
Variant type: Deletion.
Coding change: c.890_891del on transcript NM_024675.4 (MANE Select); coding-DNA positions 890 to 891, 2 bases deleted (CT; older notation c.890_891delCT).
Protein change: p.Thr297fs; shifts the reading frame from threonine 297.
Molecular consequence: frameshift variant.
Genome position (GRCh38, 1-based): chr16:23,635,655-23,635,656, AG deleted on the plus strand (CT on the coding strand, the reverse complement: PALB2 is on the minus strand). VCF-style (leftmost placement, unchanged base first): chr16-23635654-CAG-C. GRCh37 (hg19) VCF-style: chr16-23646975-CAG-C.
Other names: c.830_831delCT, p.Thr277Serfs (NM_001407296.1); c.890_891delCT, p.Thr297Serfs (NM_001407297.1, NM_001407298.1, NM_001407299.1 and 3 more transcripts); c.5_6delCT, p.Thr2Serfs (NM_001407304.1, NM_001407305.1, NM_001407306.1 and 5 more transcripts); short protein forms T297fs.
Identifiers: ClinVar variation 1765059 (VCV001765059.2), dbSNP rs2506496675, ClinGen allele CA2580091333.